The following is an entry in ClinVar:

ClinVar aggregate classification (germline): Likely benign. Review status: criteria provided, multiple submitters, no conflicts (2 of 4 stars). 3 submissions from 3 submitters: Likely benign (2). 1 of the submissions does not count toward it. Last evaluated 2026-01-22.

Conditions:
Primary ciliary dyskinesia 32. Also called: CILIARY DYSKINESIA, PRIMARY, 32, WITHOUT SITUS INVERSUS. Identifiers: Orphanet 244, MedGen C4225311, MONDO:0014657, OMIM 616481.
RSPH3-related disorder. Also called: RSPH3-related condition.

Allele frequency attached by ClinVar (database versions not stated): ExAC 0.00010; gnomAD exomes 0.00012; ESP Exome Variant Server 0.00015; TOPMed 0.00015; 1000 Genomes Project 30x 0.00016; gnomAD 0.00018 and 0.00019; 1000 Genomes Project 0.00020.
gnomAD v4.1: 181 of 1,445,842 alleles (0.013%); highest among the groups gnomAD compares: Middle Eastern, 0.018%; 1 homozygote.

Submissions (3):

Labcorp Genetics (formerly Invitae), Labcorp
Classification: Likely benign for Primary ciliary dyskinesia 32. Last evaluated: 2026-01-22. Review status: criteria provided, single submitter. Criteria: Invitae Variant Classification Sherloc (09022015). Collection method: clinical testing. Allele origin: germline.

Blueprint Genetics
Classification: Likely benign. Last evaluated: 2024-11-26. Review status: criteria provided, single submitter. Criteria: ACMG Guidelines, 2015. Collection method: clinical testing. Allele origin: germline.

PreventionGenetics, part of Exact Sciences
Classification: Likely benign for RSPH3-related condition. Last evaluated: 2022-05-17. Review status: no assertion criteria provided. Collection method: clinical testing. Allele origin: germline. Not counted in ClinVar's aggregate classification.
Comment: This variant is classified as likely benign based on ACMG/AMP sequence variant interpretation guidelines (Richards et al. 2015 PMID: 25741868, with internal and published modifications).

NM_031924.8(RSPH3):c.946+8A>G

Gene: RSPH3 (radial spoke head 3; minus strand). Cytogenetic location: 6q25.3.
Variant type: single nucleotide variant.
Coding change: c.946+8A>G on transcript NM_031924.8 (MANE Select); 8 bases into the intron after coding-DNA position 946, A replaced by G.
Molecular consequence: intron variant.
Genome position (GRCh38, 1-based): chr6:158,978,252, T>C on the plus strand (A>G on the coding strand, the complement: RSPH3 is on the minus strand). VCF-style: chr6-158978252-T-C. GRCh37 (hg19) VCF-style: chr6-159399284-T-C.
Other names: c.1372+8A>G (NM_031924.5); c.1084+8A>G (NM_001346418.1).
Identifiers: ClinVar variation 732204 (VCV000732204.14), dbSNP rs375546866, ClinGen allele CA4075768.
Genomic context (GRCh38, chr6:158,978,252, plus strand): 5'-TTTCAGTTATTCAATTTATTCTTTCTACTAAAAACTTTAGAGATGAATTTTTGGATAAAA[T>C]AACTTACTGTCAAGCACTGTTCTTCCCACCATGCTATATTCCATGGTTTTTTCAACTTCA-3'